The following is an entry in ClinVar:

ClinVar aggregate classification (germline): Uncertain significance (1 of 4 stars; one submission).

Allele frequency attached by ClinVar (database versions not stated): gnomAD exomes 0.00001.
gnomAD v4.1: 19 of 1,612,474 alleles (0.0012%); highest among the groups gnomAD compares: Non-Finnish European, 0.0016%; no homozygotes.

Submission:

Ambry Genetics
Classification: Uncertain significance. Last evaluated: 2021-10-26. Review status: criteria provided, single submitter. Criteria: Ambry Variant Classification Scheme 2023. Collection method: clinical testing. Allele origin: germline.
Comment: The p.K913T variant (also known as c.2738A>C), located in coding exon 4 of the ALPK2 gene, results from an A to C substitution at nucleotide position 2738. The lysine at codon 913 is replaced by threonine, an amino acid with similar properties. This amino acid position is conserved. In addition, this alteration is predicted to be tolerated by in silico analysis. Since supporting evidence is limited at this time, the clinical significance of this alteration remains unclear.

NM_052947.4(ALPK2):c.2738A>C (p.Lys913Thr)

Gene: ALPK2 (alpha kinase 2; minus strand). Cytogenetic location: 18q21.31.
Variant type: single nucleotide variant.
Coding change: c.2738A>C on transcript NM_052947.4 (MANE Select); coding-DNA position 2738, A replaced by C.
Protein change: p.Lys913Thr; replaces lysine 913 with threonine.
Molecular consequence: missense variant.
Genome position (GRCh38, 1-based): chr18:58,537,449, T>G on the plus strand (A>C on the coding strand, the complement: ALPK2 is on the minus strand). VCF-style: chr18-58537449-T-G. GRCh37 (hg19) VCF-style: chr18-56204681-T-G.
Other names: short protein forms K913T.
Identifiers: ClinVar variation 1795365 (VCV001795365.2), dbSNP rs2518877307, ClinGen allele CA402569889.